The following is an entry in ClinVar:

NM_006005.3(WFS1):c.62C>A (p.Pro21His)

Gene: WFS1 (wolframin ER transmembrane glycoprotein; plus strand). Cytogenetic location: 4p16.1.
Variant type: single nucleotide variant.
Coding change: c.62C>A on transcript NM_006005.3 (MANE Select); coding-DNA position 62, C replaced by A.
Protein change: p.Pro21His; replaces proline 21 with histidine.
Molecular consequence: missense variant.
Genome position (GRCh38, 1-based): chr4:6,277,517, C>A. VCF-style: chr4-6277517-C-A. GRCh37 (hg19) VCF-style: chr4-6279244-C-A.
Other names: c.62C>A, p.Pro21His (NM_001145853.1); short protein forms P21H.
Identifiers: ClinVar variation 4797322 (VCV004797322.1).

ClinVar aggregate classification (germline): Uncertain significance (1 of 4 stars; one submission).

Submission:

Labcorp Genetics (formerly Invitae), Labcorp
Classification: Uncertain significance. Last evaluated: 2025-05-25. Review status: criteria provided, single submitter. Criteria: Invitae Variant Classification Sherloc (09022015). Collection method: clinical testing. Allele origin: germline.
Comment: This sequence change replaces proline, which is neutral and non-polar, with histidine, which is basic and polar, at codon 21 of the WFS1 protein (p.Pro21His). This variant is not present in population databases (gnomAD no frequency). This variant has not been reported in the literature in individuals affected with WFS1-related conditions. Invitae Evidence Modeling of protein sequence and biophysical properties (such as structural, functional, and spatial information, amino acid conservation, physicochemical variation, residue mobility, and thermodynamic stability) indicates that this missense variant is not expected to disrupt WFS1 protein function with a negative predictive value of 95%. In summary, the available evidence is currently insufficient to determine the role of this variant in disease. Therefore, it has been classified as a Variant of Uncertain Significance.